The following is an entry in ClinVar:

NM_001365536.1(SCN9A):c.3247C>G (p.Pro1083Ala)

Genes: SCN9A (sodium voltage-gated channel alpha subunit 9; minus strand), SCN1A-AS1 (SCN1A and SCN9A antisense RNA 1; plus strand). Cytogenetic location: 2q24.3.
Variant type: single nucleotide variant.
Coding change: c.3247C>G on transcript NM_001365536.1 (MANE Select); coding-DNA position 3247, C replaced by G.
Protein change: p.Pro1083Ala; replaces proline 1083 with alanine.
Molecular consequence: missense variant.
Genome position (GRCh38, 1-based): chr2:166,272,503, G>C on the plus strand (C>G on the coding strand, the complement: SCN9A is on the minus strand). VCF-style: chr2-166272503-G-C. GRCh37 (hg19) VCF-style: chr2-167129013-G-C.
Other names: c.3214C>G, p.Pro1072Ala (NM_002977.4); short protein forms P1072A, P1083A.
Identifiers: ClinVar variation 1488216 (VCV001488216.9), dbSNP rs199815092, ClinGen allele CA1944114.
Genomic context (GRCh38, chr2:166,272,503, plus strand): 5'-CATTCATATTTTCCAAATCGGATTCCCCAGGTGCAATTGGCACTGTCACTGTGAGGCTGG[G>C]ATTGTGAATAAATGATTGACCATCACTGTCTTCCATCAAGTGTTTGTCCACGCTGCTTCC-3'
Protein context (NP_001352465.1, residues 1073-1093): DSDGQSFIHN[Pro1083Ala]SLTVTVPIAP

ClinVar aggregate classification (germline): Uncertain significance. Review status: criteria provided, multiple submitters, no conflicts (2 of 4 stars). 2 submissions from 2 submitters: Uncertain significance (2). Last evaluated 2025-11-26.

Conditions:
Neuropathy, hereditary sensory and autonomic, type 2A (HSAN2A). Also called: MORVAN DISEASE; NEUROPATHY, CONGENITAL SENSORY; NEUROPATHY, HEREDITARY SENSORY RADICULAR, AUTOSOMAL RECESSIVE; NEUROPATHY, HEREDITARY SENSORY, TYPE IIA; NEUROPATHY, PROGRESSIVE SENSORY, OF CHILDREN; ACROOSTEOLYSIS, GIACCAI TYPE. Identifiers: Orphanet 970, MedGen C2752089, MONDO:0024309, OMIM 201300.
Generalized epilepsy with febrile seizures plus, type 7 (GEFSP7). Also called: GEFS+, TYPE 7. Identifiers: Orphanet 36387, MedGen C2751778, MONDO:0013470, OMIM 613863.
Inborn genetic diseases. Identifiers: MedGen C0950123, MeSH D030342.

Allele frequency attached by ClinVar (database versions not stated): TOPMed 0.00003; gnomAD 0.00005.
gnomAD v4.1: 7 of 1,613,142 alleles (0.00043%); highest among the groups gnomAD compares: African/African-American, 0.0093%; no homozygotes.

Submissions (2):

Ambry Genetics
Classification: Uncertain significance for Inborn genetic diseases. Last evaluated: 2025-11-26. Review status: criteria provided, single submitter. Criteria: Ambry Variant Classification Scheme 2023. Collection method: clinical testing. Allele origin: germline.

Labcorp Genetics (formerly Invitae), Labcorp
Classification: Uncertain significance for Neuropathy, hereditary sensory and autonomic, type 2A; Generalized epilepsy with febrile seizures plus, type 7. Last evaluated: 2025-10-26. Review status: criteria provided, single submitter. Criteria: Invitae Variant Classification Sherloc (09022015). Collection method: clinical testing. Allele origin: germline.
Comment: This sequence change replaces proline, which is neutral and non-polar, with alanine, which is neutral and non-polar, at codon 1072 of the SCN9A protein (p.Pro1072Ala). This variant is present in population databases (rs199815092, gnomAD 0.01%). This variant has not been reported in the literature in individuals affected with SCN9A-related conditions. ClinVar contains an entry for this variant (Variation ID: 1488216). Invitae Evidence Modeling of protein sequence and biophysical properties (such as structural, functional, and spatial information, amino acid conservation, physicochemical variation, residue mobility, and thermodynamic stability) indicates that this missense variant is not expected to disrupt SCN9A protein function with a negative predictive value of 95%. In summary, the available evidence is currently insufficient to determine the role of this variant in disease. Therefore, it has been classified as a Variant of Uncertain Significance.